The following is an entry in ClinVar:

NM_001943.5(DSG2):c.2914T>C (p.Ser972Pro)

Genes: DSG2-AS1 (DSG2 antisense RNA 1; minus strand), DSG2 (desmoglein 2; plus strand). Cytogenetic location: 18q12.1.
Variant type: single nucleotide variant.
Coding change: c.2914T>C on transcript NM_001943.5 (MANE Select); coding-DNA position 2914, T replaced by C.
Protein change: p.Ser972Pro; replaces serine 972 with proline.
Molecular consequence: missense variant.
Genome position (GRCh38, 1-based): chr18:31,546,300, T>C. VCF-style: chr18-31546300-T-C. GRCh37 (hg19) VCF-style: chr18-29126263-T-C.
Other names: short protein forms S972P.
Identifiers: ClinVar variation 2775245 (VCV002775245.7), dbSNP rs2073308983, ClinGen allele CA402147350.
Genomic context (GRCh38, chr18:31,546,300, plus strand): 5'-ATCCTGGGTCCTAGCCAGCCACAGAGCCTTATTGTGACAGAGAGGGTGTATGCTCCAGCT[T>C]CTACCTTGGTAGATCAGCCTTATGCTAATGAAGGTACAGTTGTGGTCACTGAAAGAGTAA-3'
Protein context (NP_001934.2, residues 962-982): IVTERVYAPA[Ser972Pro]TLVDQPYANE

ClinVar aggregate classification (germline): Uncertain significance. Review status: criteria provided, multiple submitters, no conflicts (2 of 4 stars). 4 submissions from 4 submitters: Uncertain significance (4). Last evaluated 2025-08-20.

Conditions:
Arrhythmogenic right ventricular dysplasia 10. Also called: ARRHYTHMOGENIC RIGHT VENTRICULAR DYSPLASIA, FAMILIAL, 10; Arrhythmogenic Right Ventricular Dysplasia/Cardiomyopathy10; Arrhythmogenic right ventricular dysplasia/cardiomyopathy, type 10. Identifiers: MedGen C1857777, MONDO:0012434, OMIM 610193.
Cardiomyopathy (CMYO). Also called: Cardiomyopathies. Identifiers: Orphanet 167848, MedGen C0878544, MONDO:0004994, HP:0001638. Inheritance: Various modes of inheritance.
Arrhythmogenic right ventricular cardiomyopathy (ARVD). Also called: Arrhythmogenic right ventricular dysplasia; Cardiomyopathy, ARVC; Arrhythmogenic cardiomyopathy; Arrhythmogenic Right Ventricular Cardiomyopathy (ARVC). Identifiers: Orphanet 247, MedGen C0349788, MeSH D019571, MONDO:0016587. Disease mechanism: loss of function. Inheritance: Various modes of inheritance.
Cardiovascular phenotype. Identifiers: MedGen CN230736.

Allele frequency attached by ClinVar (database versions not stated): gnomAD 0.00001; TOPMed 0.00002.

Submissions (4):

Labcorp Genetics (formerly Invitae), Labcorp
Classification: Uncertain significance for Arrhythmogenic right ventricular dysplasia 10. Last evaluated: 2025-08-20. Review status: criteria provided, single submitter. Criteria: Invitae Variant Classification Sherloc (09022015). Collection method: clinical testing. Allele origin: germline.
Comment: This sequence change replaces serine, which is neutral and polar, with proline, which is neutral and non-polar, at codon 972 of the DSG2 protein (p.Ser972Pro). This variant is not present in population databases (gnomAD no frequency). This variant has not been reported in the literature in individuals affected with DSG2-related conditions. ClinVar contains an entry for this variant (Variation ID: 2775245). Invitae Evidence Modeling of protein sequence and biophysical properties (such as structural, functional, and spatial information, amino acid conservation, physicochemical variation, residue mobility, and thermodynamic stability) indicates that this missense variant is not expected to disrupt DSG2 protein function with a negative predictive value of 95%. In summary, the available evidence is currently insufficient to determine the role of this variant in disease. Therefore, it has been classified as a Variant of Uncertain Significance.

Ambry Genetics
Classification: Uncertain significance for Cardiovascular phenotype. Last evaluated: 2025-05-03. Review status: criteria provided, single submitter. Criteria: Ambry Variant Classification Scheme 2023. Collection method: clinical testing. Allele origin: germline.
Comment: The p.S972P variant (also known as c.2914T>C), located in coding exon 15 of the DSG2 gene, results from a T to C substitution at nucleotide position 2914. The serine at codon 972 is replaced by proline, an amino acid with similar properties. This amino acid position is conserved. In addition, this alteration is predicted to be tolerated by in silico analysis. Based on the available evidence, the clinical significance of this variant remains unclear.

All of Us Research Program, National Institutes of Health
Classification: Uncertain significance for Arrhythmogenic right ventricular cardiomyopathy. Last evaluated: 2024-05-17. Review status: criteria provided, single submitter. Criteria: ACMG Guidelines, 2015. Collection method: clinical testing. Allele origin: germline. Inheritance: Autosomal dominant inheritance. Observed: 1 variant allele, 1 heterozygote.
Comment: This missense variant replaces serine with proline at codon 972 of the DSG2 protein. Computational prediction suggests that this variant may not impact protein structure and function (internally defined REVEL score threshold <= 0.5, PMID: 27666373). To our knowledge, functional studies have not been reported for this variant. This variant has not been reported in individuals affected with cardiovascular disorders in the literature. This variant has not been identified in the general population by the Genome Aggregation Database (gnomAD). The available evidence is insufficient to determine the role of this variant in disease conclusively. Therefore, this variant is classified as a Variant of Uncertain Significance.

This study involves interpretation of variants in research participants for the purpose of population health screening. Participant phenotype was not available at the time of variant classification. Additional details can be found in publication PMID: 35346344, PMCID: PMC8962531

Color Diagnostics, LLC DBA Color Health
Classification: Uncertain significance for Cardiomyopathy. Last evaluated: 2024-03-07. Review status: criteria provided, single submitter. Criteria: ACMG Guidelines, 2015. Collection method: clinical testing. Allele origin: germline.
Comment: This missense variant replaces serine with proline at codon 972 of the DSG2 protein. Computational prediction suggests that this variant may not impact protein structure and function (internally defined REVEL score threshold <= 0.5, PMID: 27666373). To our knowledge, functional studies have not been reported for this variant. This variant has not been reported in individuals affected with cardiovascular disorders in the literature. This variant has not been identified in the general population by the Genome Aggregation Database (gnomAD). The available evidence is insufficient to determine the role of this variant in disease conclusively. Therefore, this variant is classified as a Variant of Uncertain Significance.